The following is an entry in ClinVar:

ClinVar aggregate classification (germline): Conflicting classifications of pathogenicity. Review status: criteria provided, conflicting classifications (1 of 4 stars). 2 submissions from 2 submitters: Uncertain significance (1); Likely benign (1). Last evaluated 2026-01-06.

Conditions:
Familial thoracic aortic aneurysm and aortic dissection (TAAD). Also called: Thoracic aortic aneurysms and dissections. Identifiers: Orphanet 91387, MedGen C4707243, MONDO:0019625.
Marfan syndrome (MFS). Also called: Marfan syndrome, classic; Marfan syndrome type 1; Marfan's syndrome; FBN1-Related Marfan Syndrome; MARFAN SYNDROME, TYPE I. Identifiers: Orphanet 284963, Orphanet 558, MedGen C0024796, MONDO:0007947, OMIM 154700.

Allele frequency attached by ClinVar (database versions not stated): gnomAD 0.00001; 1000 Genomes Project 30x 0.00016; 1000 Genomes Project 0.00020; gnomAD exomes 0.00003; TOPMed below 0.00001; ExAC 0.00002.
gnomAD v4.1: 10 of 1,613,830 alleles (0.00062%); highest among the groups gnomAD compares: East Asian, 0.022%; 1 homozygote.

Submissions (2):

Labcorp Genetics (formerly Invitae), Labcorp
Classification: Likely benign for Marfan syndrome; Familial thoracic aortic aneurysm and aortic dissection. Last evaluated: 2026-01-06. Review status: criteria provided, single submitter. Criteria: Invitae Variant Classification Sherloc (09022015). Collection method: clinical testing. Allele origin: germline.

Color Diagnostics, LLC DBA Color Health
Classification: Uncertain significance for Familial thoracic aortic aneurysm and aortic dissection. Last evaluated: 2020-06-30. Review status: criteria provided, single submitter. Criteria: ACMG Guidelines, 2015. Collection method: clinical testing. Allele origin: germline.
Comment: This missense variant replaces glutamic acid with glutamine at codon 2287 of the FBN1 protein. Computational prediction suggests that this variant may not impact protein structure and function (internally defined REVEL score threshold <= 0.5, PMID: 27666373). To our knowledge, functional studies have not been reported for this variant. This variant has not been reported in individuals affected with cardiovascular disorders in the literature. This variant has been identified in 7/251306 chromosomes in the general population by the Genome Aggregation Database (gnomAD). The available evidence is insufficient to determine the role of this variant in disease conclusively. Therefore, this variant is classified as a Variant of Uncertain Significance.

NM_000138.5(FBN1):c.6859G>C (p.Glu2287Gln)

Gene: FBN1 (fibrillin 1; minus strand). Cytogenetic location: 15q21.1.
Variant type: single nucleotide variant.
Coding change: c.6859G>C on transcript NM_000138.5 (MANE Select); coding-DNA position 6859, G replaced by C.
Protein change: p.Glu2287Gln; replaces glutamic acid 2287 with glutamine.
Molecular consequence: missense variant.
Genome position (GRCh38, 1-based): chr15:48,430,683, C>G on the plus strand (G>C on the coding strand, the complement: FBN1 is on the minus strand). VCF-style: chr15-48430683-C-G. GRCh37 (hg19) VCF-style: chr15-48722880-C-G.
Other names: short protein forms E2287Q.
Identifiers: ClinVar variation 926243 (VCV000926243.8), dbSNP rs551736585, ClinGen allele CA057502.
Genomic context (GRCh38, chr15:48,430,683, plus strand): 5'-CTGTCACTTCTGATGCACTCAAAGCTCCTTCCACAGGGATCCTCTTACCTACACAGCCTT[C>G]TCCATCAGGTCTCCGCTGATACCCGGGTCCACAGATGCACATATATGTGCCAATGAGGTT-3'
Protein context (NP_000129.3, residues 2277-2297): GPGYQRRPDG[Glu2287Gln]GCVDENECQT